The following is an entry in ClinVar:

NM_001122955.4(BSCL2):c.1295C>T (p.Pro432Leu)

Genes: BSCL2 (BSCL2 lipid droplet biogenesis associated, seipin; minus strand), HNRNPUL2-BSCL2 (HNRNPUL2-BSCL2 readthrough (NMD candidate); minus strand). Cytogenetic location: 11q12.3.
Variant type: single nucleotide variant.
Coding change: c.1295C>T on transcript NM_001122955.4 (MANE Select); coding-DNA position 1295, C replaced by T.
Protein change: p.Pro432Leu; replaces proline 432 with leucine.
Molecular consequence: missense variant. On other transcripts: non-coding transcript variant (1), 3 prime UTR variant (1).
Genome position (GRCh38, 1-based): chr11:62,690,461, G>A on the plus strand (C>T on the coding strand, the complement: BSCL2 is on the minus strand). VCF-style: chr11-62690461-G-A. GRCh37 (hg19) VCF-style: chr11-62457933-G-A.
Other names: c.*97C>T (NM_001130702.2); c.1301C>T, p.Pro434Leu (NM_001386027.1); c.1295C>T, p.Pro432Leu (NM_001386028.1); c.1103C>T, p.Pro368Leu (NM_032667.6); short protein forms P432L, P368L, P434L.
Identifiers: ClinVar variation 2866692 (VCV002866692.3), dbSNP rs2539143039, ClinGen allele CA380954607.

ClinVar aggregate classification (germline): Uncertain significance (1 of 4 stars; one submission).

Conditions:
Charcot-Marie-Tooth disease type 2. Also called: Charcot-Marie-Tooth type 2. Identifiers: Orphanet 64746, MedGen C0270914, MONDO:0018993.

Submission:

Labcorp Genetics (formerly Invitae), Labcorp
Classification: Uncertain significance for Charcot-Marie-Tooth disease type 2. Last evaluated: 2024-04-16. Review status: criteria provided, single submitter. Criteria: Invitae Variant Classification Sherloc (09022015). Collection method: clinical testing. Allele origin: germline.
Comment: This sequence change replaces proline, which is neutral and non-polar, with leucine, which is neutral and non-polar, at codon 368 of the BSCL2 protein (p.Pro368Leu). This variant is not present in population databases (gnomAD no frequency). This variant has not been reported in the literature in individuals affected with BSCL2-related conditions. An algorithm developed to predict the effect of missense changes on protein structure and function (PolyPhen-2) suggests that this variant is likely to be tolerated. In summary, the available evidence is currently insufficient to determine the role of this variant in disease. Therefore, it has been classified as a Variant of Uncertain Significance.